The following is an entry in ClinVar:

ClinVar aggregate classification (germline): Pathogenic. Review status: criteria provided, multiple submitters, no conflicts (2 of 4 stars). 3 submissions from 3 submitters: Pathogenic (3). Last evaluated 2026-07-01.

Conditions:
Cardiovascular phenotype. Identifiers: MedGen CN230736.

Allele frequency attached by ClinVar (database versions not stated): ExAC 0.00001; gnomAD exomes 0.00001 and 0.00002; TOPMed 0.00001.
gnomAD v4.1: 4 of 1,613,978 alleles (0.00025%); highest among the groups gnomAD compares: Admixed American, 0.0067%; no homozygotes.

Submissions (3):

CeGaT Center for Human Genetics Tuebingen
Classification: Pathogenic. Last evaluated: 2026-07-01. Review status: criteria provided, single submitter. Criteria: CeGaT Center For Human Genetics Tuebingen Variant Classification Criteria Version 2. Collection method: clinical testing. Allele origin: germline. Affected: yes. Observed: 1 variant allele.
Comment: ALPK3: PVS1, PM2

Ambry Genetics
Classification: Pathogenic for Cardiovascular phenotype. Last evaluated: 2025-08-12. Review status: criteria provided, single submitter. Criteria: Ambry Variant Classification Scheme 2023. Collection method: clinical testing. Allele origin: germline.
Comment: The p.W452* pathogenic mutation (also known as c.1356G>A), located in coding exon 5 of the ALPK3 gene, results from a G to A substitution at nucleotide position 1356. This changes the amino acid from a tryptophan to a stop codon within coding exon 5. This alteration is expected to result in loss of function by premature protein truncation or nonsense-mediated mRNA decay. As such, this alteration is interpreted as a disease-causing mutation.

Labcorp Genetics (formerly Invitae), Labcorp
Classification: Pathogenic. Last evaluated: 2025-05-18. Review status: criteria provided, single submitter. Criteria: Invitae Variant Classification Sherloc (09022015). Collection method: clinical testing. Allele origin: germline.
Comment: This sequence change creates a premature translational stop signal (p.Trp452*) in the ALPK3 gene. It is expected to result in an absent or disrupted protein product. Loss-of-function variants in ALPK3 are known to be pathogenic (PMID: 21441111, 26846950, 27106955, 34263907). This variant is present in population databases (rs765766340, gnomAD 0.01%). This variant has not been reported in the literature in individuals affected with ALPK3-related conditions. ClinVar contains an entry for this variant (Variation ID: 1453872). For these reasons, this variant has been classified as Pathogenic.

Literature cited by the submitters: PubMed 21441111 (cited by Labcorp Genetics (formerly Invitae), Labcorp); PubMed 26846950 (cited by Labcorp Genetics (formerly Invitae), Labcorp); PubMed 27106955 (cited by Labcorp Genetics (formerly Invitae), Labcorp); PubMed 34263907 (cited by Labcorp Genetics (formerly Invitae), Labcorp).

NM_020778.5(ALPK3):c.750G>A (p.Trp250Ter)

Gene: ALPK3 (alpha kinase 3; plus strand). Cytogenetic location: 15q25.3.
Variant type: single nucleotide variant.
Coding change: c.750G>A on transcript NM_020778.5 (MANE Select); coding-DNA position 750, G replaced by A.
Protein change: p.Trp250Ter; replaces tryptophan 250 with a stop codon.
Molecular consequence: nonsense.
Genome position (GRCh38, 1-based): chr15:84,840,029, G>A. VCF-style: chr15-84840029-G-A. GRCh37 (hg19) VCF-style: chr15-85383260-G-A.
Other names: c.1356G>A (NM_020778.4); short protein forms W250*.
Identifiers: ClinVar variation 1453872 (VCV001453872.9), dbSNP rs765766340, ClinGen allele CA7709062.
Genomic context (GRCh38, chr15:84,840,029, plus strand): 5'-TCAAGCGCCGGGCCCCTCGGTCCCTACCAGGGAGCCTGAGGGTGGGACCCTGGCGGCTTG[G>A]CAGGAGGGAGAGACTGAGACTGCTCAGCACTCAGGTTTGGGCCTGATCAACAGTTTTGCT-3'